The following is an entry in ClinVar:

NM_000089.4(COL1A2):c.1036-12A>G

Gene: COL1A2 (collagen type I alpha 2 chain; plus strand). Cytogenetic location: 7q21.3.
Variant type: single nucleotide variant.
Coding change: c.1036-12A>G on transcript NM_000089.4 (MANE Select); 12 bases into the intron before coding-DNA position 1036, A replaced by G.
Molecular consequence: intron variant.
Genome position (GRCh38, 1-based): chr7:94,410,230, A>G. VCF-style: chr7-94410230-A-G. GRCh37 (hg19) VCF-style: chr7-94039542-A-G.
Identifiers: ClinVar variation 360951 (VCV000360951.55), dbSNP rs41316929, ClinGen allele CA4346919.
Genomic context (GRCh38, chr7:94,410,230, plus strand): 5'-CTAAGAGATTTGTCTGCAAGAGAGTTTCAACAAATGTTTGTCCTTTGACCACTGTTCTGT[A>G]TTGAACCCTAGGGTGAGCCTGGTCCAGCTGGCTCCAAAGGAGAGAGCGGTAACAAGGGTG-3'

ClinVar aggregate classification (germline): Benign/Likely benign. Review status: criteria provided, multiple submitters, no conflicts (2 of 4 stars). 8 submissions from 7 submitters: Benign (7); Likely benign (1). Last evaluated 2026-09-01.

Conditions:
Osteogenesis imperfecta type I (OI1). Also called: Lobstein's Disease; Classic Non-deforming Osteogenesis Imperfecta with Blue Sclerae; Osteogenesis imperfecta type 1; OI, TYPE I; OSTEOGENESIS IMPERFECTA TARDA; OSTEOGENESIS IMPERFECTA WITH BLUE SCLERAE. Identifiers: Orphanet 216796, Orphanet 666, MedGen C0023931, MONDO:0008146, OMIM 166200. Disease mechanism: loss of function.
Ehlers-Danlos syndrome, classic type, 1 (EDSCL1). Also called: Ehlers-Danlos syndrome, type 1; EDS I; Ehlers-Danlos Syndrome, Classic Type, COL5A1-Related; EHLERS-DANLOS SYNDROME, SEVERE CLASSIC TYPE; EHLERS-DANLOS SYNDROME, GRAVIS TYPE. Identifiers: MedGen C0268335, MONDO:0019567, OMIM 130000.
Ehlers-Danlos syndrome, arthrochalasia type, 2. Also called: EHLERS-DANLOS SYNDROME, TYPE VIIB, AUTOSOMAL DOMINANT. Identifiers: MedGen CN293783, MONDO:0040501, OMIM 617821.
Osteogenesis imperfecta (OI). Identifiers: Orphanet 666, MedGen C0029434, MeSH D010013, MONDO:0019019.

Allele frequency attached by ClinVar (database versions not stated): 1000 Genomes Project 0.00180; 1000 Genomes Project 30x 0.00234; ExAC 0.00524; TOPMed 0.00548; gnomAD exomes 0.00554 and 0.00996; gnomAD 0.00600 and 0.00613; ESP Exome Variant Server 0.00846.

Submissions (8):

CeGaT Center for Human Genetics Tuebingen
Classification: Benign. Last evaluated: 2026-09-01. Review status: criteria provided, single submitter. Criteria: CeGaT Center For Human Genetics Tuebingen Variant Classification Criteria Version 2. Collection method: clinical testing. Allele origin: germline. Affected: yes. Observed: 23 variant alleles.
Comment: COL1A2: BS1, BS2

Labcorp Genetics (formerly Invitae), Labcorp
Classification: Benign for Osteogenesis imperfecta type I; Ehlers-Danlos syndrome, classic type, 1. Last evaluated: 2026-02-04. Review status: criteria provided, single submitter. Criteria: Invitae Variant Classification Sherloc (09022015). Collection method: clinical testing. Allele origin: germline.

ARUP Laboratories, Molecular Genetics and Genomics, ARUP Laboratories
Classification: Benign. Last evaluated: 2025-06-04. Review status: criteria provided, single submitter. Criteria: ARUP Molecular Germline Variant Investigation Process 2024. Collection method: clinical testing. Allele origin: germline.

Blueprint Genetics
Classification: Likely benign. Last evaluated: 2024-11-18. Review status: criteria provided, single submitter. Criteria: ACMG Guidelines, 2015. Collection method: clinical testing. Allele origin: germline.

Illumina Laboratory Services, Illumina
Classification: Benign for Osteogenesis imperfecta. Last evaluated: 2018-01-12. Review status: criteria provided, single submitter. Criteria: ICSL Variant Classification Criteria 13 December 2019. Collection method: clinical testing. Allele origin: germline.
Comment: This variant was observed in the ICSL laboratory as part of a predisposition screen in an ostensibly healthy population. It had not been previously curated by ICSL or reported in the Human Gene Mutation Database (HGMD: prior to June 1st, 2018), and was therefore a candidate for classification through an automated scoring system. Utilizing variant allele frequency, disease prevalence and penetrance estimates, and inheritance mode, an automated score was calculated to assess if this variant is too frequent to cause the disease. Based on the score and internal cut-off values, a variant classified as benign is not then subjected to further curation. The score for this variant resulted in a classification of benign for this disease.

Illumina Laboratory Services, Illumina
Classification: Benign for Ehlers-Danlos syndrome, arthrochalasia type, 2. Last evaluated: 2018-01-12. Review status: criteria provided, single submitter. Criteria: ICSL Variant Classification Criteria 13 December 2019. Collection method: clinical testing. Allele origin: germline.
Comment: the same text as in the submission from Illumina Laboratory Services, Illumina above.

Athena Diagnostics
Classification: Benign. Last evaluated: 2017-12-21. Review status: criteria provided, single submitter. Criteria: Athena Diagnostics Criteria. Collection method: clinical testing. Allele origin: germline.

GeneDx
Classification: Benign. Last evaluated: 2017-04-20. Review status: criteria provided, single submitter. Criteria: GeneDx Variant Classification (06012015). Collection method: clinical testing. Allele origin: germline. Affected: yes.
Comment: This variant is considered likely benign or benign based on one or more of the following criteria: it is a conservative change, it occurs at a poorly conserved position in the protein, it is predicted to be benign by multiple in silico algorithms, and/or has population frequency not consistent with disease.

Literature cited by the submitters: PubMed 10976985 (cited by Athena Diagnostics); PubMed 11317364 (cited by Athena Diagnostics).